The following is an entry in ClinVar:

NM_015139.3(SLC35D1):c.730-8T>C

Gene: SLC35D1 (solute carrier family 35 member D1; minus strand). Cytogenetic location: 1p31.3.
Variant type: single nucleotide variant.
Coding change: c.730-8T>C on transcript NM_015139.3 (MANE Select); 8 bases into the intron before coding-DNA position 730, T replaced by C.
Molecular consequence: intron variant.
Genome position (GRCh38, 1-based): chr1:67,021,610, A>G on the plus strand (T>C on the coding strand, the complement: SLC35D1 is on the minus strand). VCF-style: chr1-67021610-A-G. GRCh37 (hg19) VCF-style: chr1-67487293-A-G.
Identifiers: ClinVar variation 709549 (VCV000709549.13), dbSNP rs138429988, ClinGen allele CA898899.

ClinVar aggregate classification (germline): Benign. Review status: criteria provided, single submitter (1 of 4 stars). 2 submissions from 2 submitters: Benign (1). 1 of the submissions does not count toward it. Last evaluated 2026-01-05.

Conditions:
SLC35D1-related disorder. Also called: SLC35D1-related condition.
Schneckenbecken dysplasia. Identifiers: Orphanet 3144, MedGen C0432194, MONDO:0010013, OMIM 269250.

Allele frequency attached by ClinVar (database versions not stated): ESP Exome Variant Server 0.00300; gnomAD exomes 0.00017 and 0.00045; ExAC 0.00063; 1000 Genomes Project 0.00180; 1000 Genomes Project 30x 0.00187; gnomAD 0.00198 and 0.00215; TOPMed 0.00218.
gnomAD v4.1: 551 of 1,613,908 alleles (0.034%); highest among the groups gnomAD compares: African/African-American, 0.69%; 4 homozygotes.

Submissions (2):

Labcorp Genetics (formerly Invitae), Labcorp
Classification: Benign for Schneckenbecken dysplasia. Last evaluated: 2026-01-05. Review status: criteria provided, single submitter. Criteria: Invitae Variant Classification Sherloc (09022015). Collection method: clinical testing. Allele origin: germline.

PreventionGenetics, part of Exact Sciences
Classification: Likely benign for SLC35D1-related condition. Last evaluated: 2019-04-11. Review status: no assertion criteria provided. Collection method: clinical testing. Allele origin: germline. Not counted in ClinVar's aggregate classification.
Comment: This variant is classified as likely benign based on ACMG/AMP sequence variant interpretation guidelines (Richards et al. 2015 PMID: 25741868, with internal and published modifications).